The following is an entry in ClinVar:

ClinVar aggregate classification (germline): Likely benign. Review status: criteria provided, multiple submitters, no conflicts (2 of 4 stars). 3 submissions from 3 submitters: Likely benign (3). Last evaluated 2026-06-01.

Allele frequency attached by ClinVar (database versions not stated): 1000 Genomes Project 0.00020; gnomAD 0.00025; 1000 Genomes Project 30x 0.00031; ESP Exome Variant Server 0.00038; ExAC 0.00040; TOPMed 0.00047.
gnomAD v4.1: 413 of 1,611,900 alleles (0.026%); highest among the groups gnomAD compares: Middle Eastern, 0.43%; no homozygotes.

Submissions (3):

CeGaT Center for Human Genetics Tuebingen
Classification: Likely benign. Last evaluated: 2026-06-01. Review status: criteria provided, single submitter. Criteria: CeGaT Center For Human Genetics Tuebingen Variant Classification Criteria Version 2. Collection method: clinical testing. Allele origin: germline. Affected: yes. Observed: 2 variant alleles.
Comment: NCKAP1L: BP4, BP7

Women's Health and Genetics/Laboratory Corporation of America, LabCorp
Classification: Likely benign. Last evaluated: 2026-01-23. Review status: criteria provided, single submitter. Criteria: LabCorp Variant Classification Summary - May 2015. Collection method: clinical testing. Allele origin: germline.

Labcorp Genetics (formerly Invitae), Labcorp
Classification: Likely benign. Last evaluated: 2026-01-11. Review status: criteria provided, single submitter. Criteria: Invitae Variant Classification Sherloc (09022015). Collection method: clinical testing. Allele origin: germline.

NM_005337.5(NCKAP1L):c.1077G>A (p.Pro359=)

Gene: NCKAP1L (NCK associated protein 1 like; plus strand). Cytogenetic location: 12q13.2.
Variant type: single nucleotide variant.
Coding change: c.1077G>A on transcript NM_005337.5 (MANE Select); coding-DNA position 1077, G replaced by A.
Protein change: p.Pro359=; no amino-acid change (proline 359 retained).
Molecular consequence: synonymous variant.
Genome position (GRCh38, 1-based): chr12:54,516,974, G>A. VCF-style: chr12-54516974-G-A. GRCh37 (hg19) VCF-style: chr12-54910758-G-A.
Other names: c.927G>A, p.Pro309= (NM_001184976.2).
Identifiers: ClinVar variation 2061081 (VCV002061081.18), dbSNP rs140540603, ClinGen allele CA6609035.